The following is an entry in ClinVar:

ClinVar aggregate classification (germline): Conflicting classifications of pathogenicity. Review status: criteria provided, conflicting classifications (1 of 4 stars). 3 submissions from 3 submitters: Uncertain significance (2); Likely benign (1). Last evaluated 2026-09-02.

Conditions:
Sitosterolemia 2. Identifiers: MedGen C5231453, MONDO:0020748, OMIM 618666.
Cardiovascular phenotype. Identifiers: MedGen CN230736.

Allele frequency attached by ClinVar (database versions not stated): ESP Exome Variant Server 0.00015; gnomAD 0.00006.
gnomAD v4.1: 30 of 1,613,878 alleles (0.0019%); highest among the groups gnomAD compares: African/African-American, 0.015%; no homozygotes.

Submissions (3):

Ambry Genetics
Classification: Likely benign for Cardiovascular phenotype. Last evaluated: 2026-09-02. Review status: criteria provided, single submitter. Criteria: Ambry Variant Classification Scheme 2023. Collection method: clinical testing. Allele origin: germline.

Mayo Clinic Laboratories, Mayo Clinic
Classification: Uncertain significance. Last evaluated: 2025-10-29. Review status: criteria provided, single submitter. Criteria: ACMG Guidelines, 2015. Collection method: clinical testing. Allele origin: germline. Observed: 2 variant alleles.
Comment: BP4

Revvity Omics, Revvity
Classification: Uncertain significance for Sitosterolemia 2. Last evaluated: 2021-12-29. Review status: criteria provided, single submitter. Criteria: ACMG Guidelines, 2015. Collection method: clinical testing. Allele origin: germline.

NM_022436.3(ABCG5):c.862G>A (p.Gly288Ser)

Genes: ABCG5 (ATP binding cassette subfamily G member 5; minus strand), DYNC2LI1 (dynein cytoplasmic 2 light intermediate chain 1; plus strand). Cytogenetic location: 2p21.
Variant type: single nucleotide variant.
Coding change: c.862G>A on transcript NM_022436.3 (MANE Select); coding-DNA position 862, G replaced by A.
Protein change: p.Gly288Ser; replaces glycine 288 with serine.
Molecular consequence: missense variant. On other transcripts: intron variant (2).
Genome position (GRCh38, 1-based): chr2:43,824,931, C>T on the plus strand (G>A on the coding strand, the complement: ABCG5 is on the minus strand). VCF-style: chr2-43824931-C-T. GRCh37 (hg19) VCF-style: chr2-44052070-C-T.
Other names: p.Gly288Ser; c.862G>A (NM_022436.2); c.*16-2455C>T (NM_001348913.2, NM_001348912.2); short protein forms G288S.
Identifiers: ClinVar variation 2438777 (VCV002438777.4), dbSNP rs139264483, ClinGen allele CA1636485.